The following is an entry in ClinVar:

ClinVar aggregate classification (germline): Uncertain significance (1 of 4 stars; one submission).

Conditions:
TTC8-related disorder. Also called: TTC8-related condition.

Submission:

PreventionGenetics, part of Exact Sciences
Classification: Uncertain significance for TTC8-related condition. Last evaluated: 2026-08-20. Review status: criteria provided, single submitter. Criteria: ACMG Guidelines, 2015. Collection method: clinical testing. Allele origin: germline.
Comment: The TTC8 c.227A>G variant is predicted to result in the amino acid substitution p.Glu76Gly. To our knowledge, this variant has not been reported in the literature or in a large population database (gnomAD), indicating this variant is rare. At this time, the clinical significance of this variant is uncertain due to the absence of conclusive functional and genetic evidence.

NM_144596.4(TTC8):c.227A>G (p.Glu76Gly)

Gene: TTC8 (tetratricopeptide repeat domain 8; plus strand). Cytogenetic location: 14q31.3.
Variant type: single nucleotide variant.
Coding change: c.227A>G on transcript NM_144596.4 (MANE Select); coding-DNA position 227, A replaced by G.
Protein change: p.Glu76Gly; replaces glutamic acid 76 with glycine.
Molecular consequence: missense variant. On other transcripts: non-coding transcript variant (1), 5 prime UTR variant (2).
Genome position (GRCh38, 1-based): chr14:88,839,534, A>G. VCF-style: chr14-88839534-A-G. GRCh37 (hg19) VCF-style: chr14-89305878-A-G.
Other names: c.197A>G, p.Glu66Gly (NM_001366535.2, NM_001366536.2, NM_198309.3 and 2 more transcripts); c.-366A>G (NM_001288782.1); c.-461A>G (NM_001288783.1); short protein forms E66G, E76G.
Identifiers: ClinVar variation 4993053 (VCV004993053.1).